The following is an entry in ClinVar:

ClinVar aggregate classification (germline): Likely benign (1 of 4 stars; one submission).

Allele frequency attached by ClinVar (database versions not stated): gnomAD 0.00001; TOPMed 0.00002.
gnomAD v4.1: 12 of 1,604,034 alleles (0.00075%); highest among the groups gnomAD compares: African/African-American, 0.004%; no homozygotes.

Submission:

CeGaT Center for Human Genetics Tuebingen
Classification: Likely benign. Last evaluated: 2024-01-01. Review status: criteria provided, single submitter. Criteria: CeGaT Center For Human Genetics Tuebingen Variant Classification Criteria Version 2. Collection method: clinical testing. Allele origin: germline. Affected: yes. Observed: 1 variant allele.
Comment: CFAP52: BP4, BP7

NM_145054.5(CFAP52):c.264G>T (p.Gly88=)

Gene: CFAP52 (cilia and flagella associated protein 52; plus strand). Cytogenetic location: 17p13.1.
Variant type: single nucleotide variant.
Coding change: c.264G>T on transcript NM_145054.5 (MANE Select); coding-DNA position 264, G replaced by T.
Protein change: p.Gly88=; no amino-acid change (glycine 88 retained).
Molecular consequence: synonymous variant. On other transcripts: intron variant (1).
Genome position (GRCh38, 1-based): chr17:9,585,966, G>T. VCF-style: chr17-9585966-G-T. GRCh37 (hg19) VCF-style: chr17-9489283-G-T.
Other names: c.264G>T, p.Gly88= (NM_001037306.1); c.71-736G>T (NM_001080556.2).
Identifiers: ClinVar variation 3025555 (VCV003025555.22), dbSNP rs971644606, ClinGen allele CA287671504.
Genomic context (GRCh38, chr17:9,585,966, plus strand): 5'-CTGCTTGGCCATCTCCAGGTCTGGAGAGTACATCGCCTCCGGACAAGTCACATTCATGGG[G>T]TTCAAGGTGAATACAGTGAAAACGACTCATTGTCAATTTATCTAGAGGTGCCTCCCTAGA-3'
Protein context (NP_659491.4, residues 78-98): YIASGQVTFM[Gly88=]FKADIILWDY